The following is an entry in ClinVar:

ClinVar aggregate classification (germline): Uncertain significance. Review status: criteria provided, multiple submitters, no conflicts (2 of 4 stars). 2 submissions from 2 submitters: Uncertain significance (2). Last evaluated 2024-10-15.

Conditions:
Epileptic encephalopathy. Identifiers: MedGen C0543888, HP:0200134.

Allele frequency attached by ClinVar (database versions not stated): ExAC 0.00005; gnomAD exomes 0.00005; TOPMed 0.00005; gnomAD 0.00006.
gnomAD v4.1: 367 of 1,612,666 alleles (0.023%); highest among the groups gnomAD compares: Non-Finnish European, 0.03%; no homozygotes.

Submissions (2):

Labcorp Genetics (formerly Invitae), Labcorp
Classification: Uncertain significance for Epileptic encephalopathy. Last evaluated: 2024-10-15. Review status: criteria provided, single submitter. Criteria: Invitae Variant Classification Sherloc (09022015). Collection method: clinical testing. Allele origin: germline.
Comment: This sequence change replaces arginine, which is basic and polar, with glutamine, which is neutral and polar, at codon 259 of the RYR3 protein (p.Arg259Gln). This variant is present in population databases (rs752846417, gnomAD 0.009%). This variant has not been reported in the literature in individuals affected with RYR3-related conditions. ClinVar contains an entry for this variant (Variation ID: 658419). An algorithm developed to predict the effect of missense changes on protein structure and function (PolyPhen-2) suggests that this variant is likely to be tolerated. In summary, the available evidence is currently insufficient to determine the role of this variant in disease. Therefore, it has been classified as a Variant of Uncertain Significance.

Ambry Genetics
Classification: Uncertain significance. Last evaluated: 2024-07-02. Review status: criteria provided, single submitter. Criteria: Ambry Variant Classification Scheme 2023. Collection method: clinical testing. Allele origin: germline.

NM_001036.6(RYR3):c.776G>A (p.Arg259Gln)

Gene: RYR3 (ryanodine receptor 3; plus strand). Cytogenetic location: 15q14.
Variant type: single nucleotide variant.
Coding change: c.776G>A on transcript NM_001036.6 (MANE Select); coding-DNA position 776, G replaced by A.
Protein change: p.Arg259Gln; replaces arginine 259 with glutamine.
Molecular consequence: missense variant.
Genome position (GRCh38, 1-based): chr15:33,548,165, G>A. VCF-style: chr15-33548165-G-A. GRCh37 (hg19) VCF-style: chr15-33840366-G-A.
Other names: c.776G>A (NM_001036.3); c.776G>A, p.Arg259Gln (NM_001243996.4); short protein forms R259Q.
Identifiers: ClinVar variation 658419 (VCV000658419.11), dbSNP rs752846417, ClinGen allele CA7457925.